The following is an entry in ClinVar:

NM_024312.5(GNPTAB):c.2119G>A (p.Ala707Thr)

Gene: GNPTAB (N-acetylglucosamine-1-phosphate transferase subunits alpha and beta; minus strand). Cytogenetic location: 12q23.2.
Variant type: single nucleotide variant.
Coding change: c.2119G>A on transcript NM_024312.5 (MANE Select); coding-DNA position 2119, G replaced by A.
Protein change: p.Ala707Thr; replaces alanine 707 with threonine.
Molecular consequence: missense variant.
Genome position (GRCh38, 1-based): chr12:101,764,798, C>T on the plus strand (G>A on the coding strand, the complement: GNPTAB is on the minus strand). VCF-style: chr12-101764798-C-T. GRCh37 (hg19) VCF-style: chr12-102158576-C-T.
Other names: short protein forms A707T.
Identifiers: ClinVar variation 393114 (VCV000393114.29), dbSNP rs376620571, ClinGen allele CA6746472.

ClinVar aggregate classification (germline): Conflicting classifications of pathogenicity. Review status: criteria provided, conflicting classifications (1 of 4 stars). 5 submissions from 5 submitters: Uncertain significance (3); Likely benign (1). 1 of the submissions does not count toward it. Last evaluated 2026-01-08.

Conditions:
Mucolipidosis type II. Also called: Mucolipidosis II Alpha/Beta; ML II ALPHA/BETA; Mucolipidosis 2; ML 2; Inclusion cell disease; Leroy Disease. Identifiers: Orphanet 576, MedGen C2673377, MONDO:0009650, OMIM 252500.
Pseudo-Hurler polydystrophy. Also called: Type III Mucolipidosis; ML IIIA; Mucolipidosis III Alpha/Beta; MUCOLIPIDOSIS IIIA; ML III; ML III ALPHA/BETA. Identifiers: Orphanet 423461, Orphanet 577, MedGen C0033788, MONDO:0018931, OMIM 252600.
Inborn genetic diseases. Identifiers: MedGen C0950123, MeSH D030342.

Allele frequency attached by ClinVar (database versions not stated): gnomAD 0.00001 and 0.00004; TOPMed 0.00002; ExAC 0.00003; gnomAD exomes 0.00007; ESP Exome Variant Server 0.00008; 1000 Genomes Project 30x 0.00016; 1000 Genomes Project 0.00020.

Submissions (5):

Labcorp Genetics (formerly Invitae), Labcorp
Classification: Uncertain significance for Pseudo-Hurler polydystrophy; Mucolipidosis type II. Last evaluated: 2026-01-08. Review status: criteria provided, single submitter. Criteria: Invitae Variant Classification Sherloc (09022015). Collection method: clinical testing. Allele origin: germline.
Comment: This sequence change replaces alanine, which is neutral and non-polar, with threonine, which is neutral and polar, at codon 707 of the GNPTAB protein (p.Ala707Thr). The frequency data for this variant in the population databases is considered unreliable, as metrics indicate poor data quality at this position in the gnomAD database. This variant has not been reported in the literature in individuals affected with GNPTAB-related conditions. ClinVar contains an entry for this variant (Variation ID: 393114). Invitae Evidence Modeling of protein sequence and biophysical properties (such as structural, functional, and spatial information, amino acid conservation, physicochemical variation, residue mobility, and thermodynamic stability) indicates that this missense variant is not expected to disrupt GNPTAB protein function with a negative predictive value of 80%. In summary, the available evidence is currently insufficient to determine the role of this variant in disease. Therefore, it has been classified as a Variant of Uncertain Significance.

Ambry Genetics
Classification: Uncertain significance for Inborn genetic diseases. Last evaluated: 2025-07-15. Review status: criteria provided, single submitter. Criteria: Ambry Variant Classification Scheme 2023. Collection method: clinical testing. Allele origin: germline.

CeGaT Center for Human Genetics Tuebingen
Classification: Likely benign. Last evaluated: 2024-01-01. Review status: criteria provided, single submitter. Criteria: CeGaT Center For Human Genetics Tuebingen Variant Classification Criteria Version 2. Collection method: clinical testing. Allele origin: germline. Affected: yes. Observed: 1 variant allele.
Comment: GNPTAB: BP4

GeneDx
Classification: Uncertain significance. Last evaluated: 2017-01-19. Review status: criteria provided, single submitter. Criteria: GeneDx Variant Classification (06012015). Collection method: clinical testing. Allele origin: germline. Affected: yes.
Comment: The A707T variant in the GNPTAB gene has not been reported previously as a pathogenic variant, nor as a benign variant, to our knowledge. The A707T variant was not observed at any significant frequency in approximately 6,500 individuals of European and African American ancestry in the NHLBI Exome Sequencing Project, indicating it is not a common benign variant in these populations. The A707T variant is a non-conservative amino acid substitution, which is likely to impact secondary protein structure as these residues differ in polarity, charge, size and/or other properties. This substitution occurs at a position that is not conserved. In silico analysis is inconsistent in its predictions as to whether or not the variant is damaging to the protein structure/function. We interpret A707T as a variant of uncertain significance.

Natera, Inc.
Classification: Uncertain significance for Mucolipidosis type II. Last evaluated: 2019-10-28. Review status: no assertion criteria provided. Collection method: clinical testing. Allele origin: germline. Not counted in ClinVar's aggregate classification.